The following is an entry in ClinVar:

ClinVar aggregate classification (germline): Uncertain significance (1 of 4 stars; one submission).

Submission:

GeneDx
Classification: Uncertain significance. Last evaluated: 2026-02-14. Review status: criteria provided, single submitter. Criteria: GeneDx Variant Classification Process June 2021. Collection method: clinical testing. Allele origin: germline.
Comment: Not observed at significant frequency in large population cohorts (gnomAD); In silico analysis supports that this missense variant has a deleterious effect on protein structure/function; Has not been previously published as pathogenic or benign to our knowledge

NM_014225.6(PPP2R1A):c.412G>A (p.Gly138Ser)

Gene: PPP2R1A (protein phosphatase 2 scaffold subunit Aalpha; plus strand). Cytogenetic location: 19q13.41.
Variant type: single nucleotide variant.
Coding change: c.412G>A on transcript NM_014225.6 (MANE Select); coding-DNA position 412, G replaced by A.
Protein change: p.Gly138Ser; replaces glycine 138 with serine.
Molecular consequence: missense variant. On other transcripts: 5 prime UTR variant (1), non-coding transcript variant (1).
Genome position (GRCh38, 1-based): chr19:52,211,401, G>A. VCF-style: chr19-52211401-G-A. GRCh37 (hg19) VCF-style: chr19-52714654-G-A.
Other names: c.-126G>A (NM_001363656.2); short protein forms G138S.
Identifiers: ClinVar variation 4975957 (VCV004975957.1).